The following is an entry in ClinVar:

NM_213653.4(HJV):c.210G>A (p.Arg70=)

Gene: HJV (hemojuvelin BMP co-receptor; minus strand). Cytogenetic location: 1q21.1.
Variant type: single nucleotide variant.
Coding change: c.210G>A on transcript NM_213653.4 (MANE Select); coding-DNA position 210, G replaced by A.
Protein change: p.Arg70=; no amino-acid change (arginine 70 retained).
Molecular consequence: synonymous variant. On other transcripts: intron variant (3), 5 prime UTR variant (1).
Genome position (GRCh38, 1-based): chr1:146,019,622, C>T on the plus strand (G>A on the coding strand, the complement: HJV is on the minus strand). VCF-style: chr1-146019622-C-T. GRCh37 (hg19) VCF-style: chr1-145415391-G-A.
Other names: c.-21-922G>A (NM_213652.4); c.-22+76G>A (NM_202004.4, NM_001316767.2); c.210G>A (NM_213653.3); c.210G>A, p.Arg70= (NM_001379352.1); c.-130G>A (NM_145277.5).
Identifiers: ClinVar variation 1553600 (VCV001553600.10), dbSNP rs781984687, ClinGen allele CA1053769.

ClinVar aggregate classification (germline): Likely benign. Review status: criteria provided, single submitter (1 of 4 stars). 2 submissions from 2 submitters: Likely benign (1). 1 of the submissions does not count toward it. Last evaluated 2024-03-13.

Conditions:
HJV-related disorder. Also called: HJV-related condition.

Allele frequency attached by ClinVar (database versions not stated): TOPMed 0.00001.
gnomAD v4.1: 2 of 1,613,772 alleles (0.00012%); highest among the groups gnomAD compares: Admixed American, 0.0033%; no homozygotes.

Submissions (2):

Labcorp Genetics (formerly Invitae), Labcorp
Classification: Likely benign. Last evaluated: 2024-03-13. Review status: criteria provided, single submitter. Criteria: Invitae Variant Classification Sherloc (09022015). Collection method: clinical testing. Allele origin: germline.

PreventionGenetics, part of Exact Sciences
Classification: Likely benign for HJV-related condition. Last evaluated: 2019-05-28. Review status: no assertion criteria provided. Collection method: clinical testing. Allele origin: germline. Not counted in ClinVar's aggregate classification.
Comment: This variant is classified as likely benign based on ACMG/AMP sequence variant interpretation guidelines (Richards et al. 2015 PMID: 25741868, with internal and published modifications).